The following is an entry in ClinVar:

NM_001904.4(CTNNB1):c.817G>T (p.Val273Leu)

Gene: CTNNB1 (catenin beta 1; plus strand). Cytogenetic location: 3p22.1.
Variant type: single nucleotide variant.
Coding change: c.817G>T on transcript NM_001904.4 (MANE Select); coding-DNA position 817, G replaced by T.
Protein change: p.Val273Leu; replaces valine 273 with leucine.
Molecular consequence: missense variant.
Genome position (GRCh38, 1-based): chr3:41,225,742, G>T. VCF-style: chr3-41225742-G-T. GRCh37 (hg19) VCF-style: chr3-41267233-G-T.
Other names: c.817G>T, p.Val273Leu (NM_001098209.2, NM_001098210.2); c.796G>T, p.Val266Leu (NM_001330729.2); short protein forms V273L, V266L.
Identifiers: ClinVar variation 1502637 (VCV001502637.8), dbSNP rs1183899293, ClinGen allele CA352230221.

ClinVar aggregate classification (germline): Uncertain significance (1 of 4 stars; one submission).

Submission:

Labcorp Genetics (formerly Invitae), Labcorp
Classification: Uncertain significance. Last evaluated: 2021-07-01. Review status: criteria provided, single submitter. Criteria: Invitae Variant Classification Sherloc (09022015). Collection method: clinical testing. Allele origin: germline.
Comment: This variant is not present in population databases (ExAC no frequency). This variant has not been reported in the literature in individuals affected with CTNNB1-related conditions. Algorithms developed to predict the effect of missense changes on protein structure and function (SIFT, PolyPhen-2, Align-GVGD) all suggest that this variant is likely to be tolerated. In summary, the available evidence is currently insufficient to determine the role of this variant in disease. Therefore, it has been classified as a Variant of Uncertain Significance. This sequence change replaces valine with leucine at codon 273 of the CTNNB1 protein (p.Val273Leu). The valine residue is highly conserved and there is a small physicochemical difference between valine and leucine.